The following is an entry in ClinVar:

ClinVar aggregate classification (germline): Pathogenic/Likely pathogenic. Review status: criteria provided, multiple submitters, no conflicts (2 of 4 stars). 16 submissions from 15 submitters: Pathogenic (12); Likely pathogenic (1). 3 of the submissions do not count toward it. Last evaluated 2025-12-29.

Conditions:
GBE1-related disorder. Also called: GBE1-related disorders; GBE1-related condition. Identifiers: MedGen CN239402.
Glycogen storage disease, type IV (GSD4). Also called: Glycogen storage disease due to glycogen branching enzyme deficiency; AMYLOPECTINOSIS; ANDERSEN DISEASE; BRANCHER DEFICIENCY; CIRRHOSIS, FAMILIAL, WITH DEPOSITION OF ABNORMAL GLYCOGEN; GBE1 DEFICIENCY. Identifiers: Orphanet 367, MedGen C0017923, MONDO:0009292, OMIM 232500.
Glycogen storage disease IV, classic hepatic. Also called: GSD IV, CLASSIC HEPATIC. Identifiers: MedGen C1856301.
Adult polyglucosan body disease (APBN). Also called: GBE1-Adult Polyglucosan Body Disease; POLYGLUCOSAN BODY DISEASE, ADULT FORM. Identifiers: Orphanet 206583, MedGen C1849722, MONDO:0009897, OMIM 263570.
Glycogen storage disease due to glycogen branching enzyme deficiency, childhood neuromuscular form. Also called: GSD IV, NEUROMUSCULAR FORM, CHILDHOOD; Glycogen storage disease IV, childhood neuromuscular. Identifiers: Orphanet 308698, MedGen C1856305, MONDO:0017700.

Allele frequency attached by ClinVar (database versions not stated): ExAC 0.00002; gnomAD 0.00004 and 0.00006; gnomAD exomes 0.00004 and 0.00013; TOPMed 0.00006.
gnomAD v4.1: 192 of 1,607,614 alleles (0.012%); highest among the groups gnomAD compares: Non-Finnish European, 0.016%; no homozygotes.

Submissions (16):

Labcorp Genetics (formerly Invitae), Labcorp
Classification: Pathogenic for Glycogen storage disease, type IV; Glycogen storage disease IV, classic hepatic. Last evaluated: 2025-12-29. Review status: criteria provided, single submitter. Criteria: Invitae Variant Classification Sherloc (09022015). Collection method: clinical testing. Allele origin: germline.
Comment: This sequence change creates a premature translational stop signal (p.Arg524*) in the GBE1 gene. It is expected to result in an absent or disrupted protein product. Loss-of-function variants in GBE1 are known to be pathogenic (PMID: 15452297, 20058079). This variant is present in population databases (rs137852888, gnomAD 0.007%). This premature translational stop signal has been observed in individuals with GBE1-related disease (PMID: 8613547, 15452297). ClinVar contains an entry for this variant (Variation ID: 2781). For these reasons, this variant has been classified as Pathogenic.

Natera, Inc.
Classification: Pathogenic for Glycogen storage disease type IV. Last evaluated: 2025-07-25. Review status: criteria provided, single submitter. Criteria: Natera Variant Classification Schema (03/2026). Collection method: clinical testing. Allele origin: germline.
Comment: The c.1570C>T variant in GBE1 is a nonsense variant predicted to introduce a stop codon at amino acid 524. This variant is expected to result in nonsense mediated decay, truncation, or a dysfunctional protein product. This variant is rare in the general population with a frequency below the threshold expected for the associated phenotype(s). This variant has been observed in one or more individuals affected with the associated recessive disease, as either homozygous or compound heterozygous with a second variant (PMID: 15452297). Given the available evidence, this variant is classified as Pathogenic.

3billion
Classification: Pathogenic for Glycogen storage disease, type IV. Last evaluated: 2025-05-22. Review status: criteria provided, single submitter. Criteria: ACMG Guidelines, 2015. Collection method: clinical testing. Allele origin: germline. Affected: yes.
Comment: The variant is observed at an extremely low frequency in the gnomAD v4.1.0 dataset (total allele frequency: 0.012%). Predicted Consequence/Location: Stop-gained (nonsense): predicted to result in a loss or disruption of normal protein function through nonsense-mediated decay (NMD) or protein truncation. Multiple pathogenic variants are reported downstream of the variant. In silico tool predictions suggest damaging effect of the variant on gene or gene product[3Cnet: 1.00 (damaging >0.75, benign <0.1)]. The variant has been reported at least twice as pathogenic with clinical assertions and evidence for the classification (ClinVar ID: VCV000002781 /PMID: 8613547). Therefore, this variant is classified as Pathogenic according to the recommendation of ACMG/AMP guideline.

PreventionGenetics, part of Exact Sciences
Classification: Pathogenic for GBE1-related condition. Last evaluated: 2025-03-28. Review status: criteria provided, single submitter. Criteria: ACMG Guidelines, 2015. Collection method: clinical testing. Allele origin: germline.
Comment: The GBE1 c.1570C>T variant is predicted to result in premature protein termination (p.Arg524*). This variant has been noted in the compound heterozygous state in multiple individuals with glycogen storage disease type IV (GSDIV, see for example, Bao et al. 1996. PubMed ID: 8613547; Szymańska et al. 2018. PubMed ID: 29379554; Wilke et al. 2023. PubMed ID: 36830903) and in recurrent pregnancy loss due to GSDIV (Bendroth-Asmussen et al. 2016. PubMed ID: 26166723). Experimental studies predict this variant reduces GBE activity (see for example, Bao et al. 1996. PubMed ID: 8613547; Magoulas et al 2012. PubMed ID: 22305237). This variant is reported in 0.0072% of alleles in individuals of European (non-Finnish) descent in gnomAD. Nonsense variants in GBE1 are expected to be pathogenic (Bruno et al. 2004. PubMed ID: 15452297; Li et al. 2010. PubMed ID: 20058079). This variant is interpreted as pathogenic.

Fulgent Genetics
Classification: Pathogenic for Glycogen storage disease, type IV; Adult polyglucosan body disease. Last evaluated: 2024-05-29. Review status: criteria provided, single submitter. Criteria: ACMG Guidelines, 2015. Collection method: clinical testing. Allele origin: germline.

CeGaT Center for Human Genetics Tuebingen
Classification: Pathogenic. Last evaluated: 2024-05-01. Review status: criteria provided, single submitter. Criteria: CeGaT Center For Human Genetics Tuebingen Variant Classification Criteria Version 2. Collection method: clinical testing. Allele origin: germline. Affected: yes. Observed: 1 variant allele.
Comment: GBE1: PVS1, PM2

Baylor Genetics
Classification: Pathogenic for Glycogen storage disease, type IV. Last evaluated: 2024-03-29. Review status: criteria provided, single submitter. Criteria: ACMG Guidelines, 2015. Collection method: clinical testing. Allele origin: unknown.

Blueprint Genetics
Classification: Pathogenic for GBE1-related disorders. Last evaluated: 2022-06-22. Review status: criteria provided, single submitter. Criteria: ACMG Guidelines, 2015. Collection method: clinical testing. Allele origin: germline. Affected: yes. Observed: 4 variant alleles.

Broad Center for Mendelian Genomics, Broad Institute of MIT and Harvard
Classification: Pathogenic for Glycogen storage disease, type IV. Last evaluated: 2022-01-27. Review status: criteria provided, single submitter. Criteria: ACMG Guidelines, 2015. Collection method: curation. Allele origin: germline. Inheritance: Autosomal recessive inheritance.
Comment: The p.Arg524Ter variant in GBE1 has been reported in 4 individuals with glycogen storage disease type IV (GSD IV) (PMID: 29379554, 15452297, 8613547, 26166723) and has been identified in 0.007% (8/111504) of European (non-Finnish) chromosomes by the Genome Aggregation Database (gnomAD; dbSNP ID: rs137852888). Although this variant has been seen in the general population in a heterozygous state, its frequency is low enough to be consistent with a recessive carrier frequency. Of the 4 affected individuals, 1 was a compound heterozygote that carried a reported pathogenic variant in trans, and 1 was a compound heterozygote that carried a variant of uncertain significance in trans, which increases the likelihood that the p.Arg524Ter variant is pathogenic (Variation ID#: 208584; PMID: 29379554, 26166723). This variant has also been reported in ClinVar (Variation ID#: 2781) and has been interpreted as pathogenic by OMIM, GeneDx, Baylor Genetics, Invitae, GeneReviews, and Natera. This nonsense variant leads to a premature termination codon at position 524, which is predicted to lead to a truncated or absent protein. Loss of function of the GBE1 gene is an established disease mechanism in autosomal recessive GSD IV. The phenotype of individuals homozygous or compound heterozygous for this variant is highly specific for GSD IV based on strict biochemical investigations consistent with disease (PMID: 8613547). In summary, this variant meets criteria to be classified as pathogenic for autosomal recessive GSD IV. ACMG/AMP Criteria applied: PVS1, PM2_supporting, PM3, PP4 (Richards 2015).

Women's Health and Genetics/Laboratory Corporation of America, LabCorp
Classification: Pathogenic for Glycogen storage disease, type IV. Last evaluated: 2022-01-14. Review status: criteria provided, single submitter. Criteria: LabCorp Variant Classification Summary - May 2015. Collection method: clinical testing. Allele origin: germline.
Comment: Variant summary: GBE1 c.1570C>T (p.Arg524X) results in a premature termination codon, predicted to cause a truncation of the encoded protein or absence of the protein due to nonsense mediated decay, which are commonly known mechanisms for disease. The variant allele was found at a frequency of 3.7e-05 in 243478 control chromosomes. c.1570C>T has been reported in the literature in individuals affected with Glycogen Storage Disease, Type IV (example, Bao_1996, Bruno_2004, Bendroth-Asmussen_2016). At least one publication reports experimental evidence evaluating an impact on protein function. The most pronounced variant effect results in <10% of normal activity (example, Bao_1996). Five clinical diagnostic laboratories have submitted clinical-significance assessments for this variant to ClinVar after 2014 without evidence for independent evaluation. All laboratories classified the variant as pathogenic. Based on the evidence outlined above, the variant was classified as pathogenic.

GeneDx
Classification: Pathogenic. Last evaluated: 2021-11-26. Review status: criteria provided, single submitter. Criteria: GeneDx Variant Classification Process June 2021. Collection method: clinical testing. Allele origin: germline. Affected: yes.
Comment: Nonsense variant predicted to result in protein truncation or nonsense mediated decay in a gene for which loss-of-function is a known mechanism of disease; Published functional studies demonstrate GBE activity is inactivated (Bao Y et al., 1996); Not observed at significant frequency in large population cohorts (gnomAD); This variant is associated with the following publications: (PMID: 25525159, 26166723, 15452297, 22305237, 29379554, 31589614, 30094188, 33332610, 8613547)

Revvity Omics, Revvity
Classification: Pathogenic. Last evaluated: 2019-09-23. Review status: criteria provided, single submitter. Criteria: ACMG Guidelines, 2015. Collection method: clinical testing. Allele origin: germline.

Kasturba Medical College, Manipal, Kasturba Medical College, Manipal, Manipal Academy of Higher Education, Manipal, India
Classification: Likely pathogenic for Glycogen storage disease, type IV. Review status: criteria provided, single submitter. Criteria: ACMG Guidelines, 2015. Collection method: clinical testing. Allele origin: inherited. Inheritance: Autosomal recessive inheritance. Affected: yes.

GeneReviews
Classification: Pathogenic for Adult Polyglucosan Body Disease. Last evaluated: 2009-04-02. Review status: no assertion criteria provided. Collection method: curation. Allele origin: unknown. Not counted in ClinVar's aggregate classification.
ClinVar note: Converted during submission from pathologic to Pathogenic.

OMIM
Classification: Pathogenic for GLYCOGEN STORAGE DISEASE IV, CLASSIC HEPATIC. Last evaluated: 2004-09-28. Review status: no assertion criteria provided. Collection method: literature only. Allele origin: germline. Not counted in ClinVar's aggregate classification.

OMIM
Classification: Pathogenic for GLYCOGEN STORAGE DISEASE IV, CHILDHOOD NEUROMUSCULAR. Last evaluated: 2004-09-28. Review status: no assertion criteria provided. Collection method: literature only. Allele origin: germline. Not counted in ClinVar's aggregate classification.

Literature cited by the submitters: PubMed 15452297 (cited by 4 submitters); PubMed 20058079 (cited by Labcorp Genetics (formerly Invitae), Labcorp); PubMed 8613547 (cited by 4 submitters); PubMed 26166723 (cited by Women's Health and Genetics/Laboratory Corporation of America, LabCorp).

NM_000158.4(GBE1):c.1570C>T (p.Arg524Ter)

Gene: GBE1 (1,4-alpha-glucan branching enzyme 1; minus strand). Cytogenetic location: 3p12.2.
Variant type: single nucleotide variant.
Coding change: c.1570C>T on transcript NM_000158.4 (MANE Select); coding-DNA position 1570, C replaced by T.
Protein change: p.Arg524Ter; replaces arginine 524 with a stop codon.
Molecular consequence: nonsense.
Genome position (GRCh38, 1-based): chr3:81,577,973, G>A on the plus strand (C>T on the coding strand, the complement: GBE1 is on the minus strand). VCF-style: chr3-81577973-G-A. GRCh37 (hg19) VCF-style: chr3-81627124-G-A.
Other names: NM_000158.4(GBE1):c.1570C>T; p.Arg524Ter; c.1570C>T; short protein forms R524*.
Identifiers: ClinVar variation 2781 (VCV000002781.46), dbSNP rs137852888, ClinGen allele CA115751.
Genomic context (GRCh38, chr3:81,577,973, plus strand): 5'-ACTCACACTTACCCATGAAATTGAGATAGCCTTCTCCACCAAGCCCATGCGTAATGAGTC[G>A]AATCATTTTATGAAGCTGTATTCCACGATCAATAACTGGAGTAAAAGGAGTCAGGACACT-3'